The following is an entry in ClinVar:

ClinVar aggregate classification (germline): Conflicting classifications of pathogenicity. Review status: criteria provided, conflicting classifications (1 of 4 stars). 3 submissions from 3 submitters: Pathogenic (1); Likely pathogenic (1); Uncertain significance (1). Last evaluated 2025-10-18.

Conditions:
DNAH1-related disorders.
Spermatogenic failure 18. Identifiers: MedGen C4539783, MONDO:0054615, OMIM 617576.
Ciliary dyskinesia, primary, 37 (CILD37). Also called: CILIARY DYSKINESIA, PRIMARY, 37, WITH OR WITHOUT SITUS INVERSUS. Identifiers: MedGen C4539798, MONDO:0033204, OMIM 617577.
Intellectual disability. Also called: intellectual disabilities; Intellectual functioning disability; Intellectual developmental disorder. Identifiers: MedGen C3714756, MeSH D008607, MONDO:0001071, HP:0001249.

Allele frequency attached by ClinVar (database versions not stated): gnomAD 0.00001; gnomAD exomes 0.00002; TOPMed 0.00002.

Submissions (3):

Labcorp Genetics (formerly Invitae), Labcorp
Classification: Pathogenic for Ciliary dyskinesia, primary, 37; Spermatogenic failure 18. Last evaluated: 2025-10-18. Review status: criteria provided, single submitter. Criteria: Invitae Variant Classification Sherloc (09022015). Collection method: clinical testing. Allele origin: germline.
Comment: This sequence change creates a premature translational stop signal (p.Leu4024Profs*7) in the DNAH1 gene. It is expected to result in an absent or disrupted protein product. Loss-of-function variants in DNAH1 are known to be pathogenic (PMID: 27573432, 27798045). This variant is not present in population databases (gnomAD no frequency). This variant has not been reported in the literature in individuals affected with DNAH1-related conditions. ClinVar contains an entry for this variant (Variation ID: 2182609). For these reasons, this variant has been classified as Pathogenic.

Blueprint Genetics
Classification: Likely pathogenic for DNAH1-related disorders. Last evaluated: 2020-12-20. Review status: criteria provided, single submitter. Criteria: ACMG Guidelines, 2015. Collection method: clinical testing. Allele origin: germline. Affected: yes. Observed: 1 variant allele.

Cambridge Genomics Laboratory, East Genomic Laboratory Hub, NHS Genomic Medicine Service
Classification: Uncertain significance for Intellectual disability. Last evaluated: 2020-05-11. Review status: criteria provided, single submitter. Criteria: ACGS Best Practice Guidelines for Variant Classification in Rare Disease 2020. Collection method: clinical testing. Allele origin: germline. Affected: yes. Observed: 1 variant allele.

Literature cited by the submitters: PubMed 27573432 (cited by Labcorp Genetics (formerly Invitae), Labcorp); PubMed 27798045 (cited by Labcorp Genetics (formerly Invitae), Labcorp).

NM_015512.5(DNAH1):c.12070dup (p.Leu4024fs)

Gene: DNAH1 (dynein axonemal heavy chain 1; plus strand). Cytogenetic location: 3p21.1.
Variant type: Duplication.
Coding change: c.12070dup on transcript NM_015512.5 (MANE Select); coding-DNA position 12070, one base duplicated (C; older notation c.12070dupC).
Protein change: p.Leu4024fs; shifts the reading frame from leucine 4024.
Molecular consequence: frameshift variant.
Genome position (GRCh38, 1-based): chr3:52,398,143, C duplicated. VCF-style (leftmost placement, unchanged base first): chr3-52398142-A-AC. GRCh37 (hg19) VCF-style: chr3-52432158-A-AC.
Other names: short protein forms L4024fs.
Identifiers: ClinVar variation 2182609 (VCV002182609.6), dbSNP rs1215558613, ClinGen allele CA908129988.